The following is an entry in ClinVar:

ClinVar aggregate classification (germline): Uncertain significance (1 of 4 stars; one submission).

Submission:

GeneDx
Classification: Uncertain significance. Last evaluated: 2023-07-14. Review status: criteria provided, single submitter. Criteria: GeneDx Variant Classification Process June 2021. Collection method: clinical testing. Allele origin: germline. Affected: yes.
Comment: Not observed at significant frequency in large population cohorts (gnomAD); In silico analysis supports that this missense variant has a deleterious effect on protein structure/function; Has not been previously published as pathogenic or benign to our knowledge

NM_001394062.1(MACF1):c.16457A>C (p.Gln5486Pro)

Gene: MACF1 (microtubule actin crosslinking factor 1; plus strand). Cytogenetic location: 1p34.3.
Variant type: single nucleotide variant.
Coding change: c.16457A>C on transcript NM_001394062.1 (MANE Select); coding-DNA position 16457, A replaced by C.
Protein change: p.Gln5486Pro; replaces glutamine 5486 with proline.
Molecular consequence: missense variant.
Genome position (GRCh38, 1-based): chr1:39,427,595, A>C. VCF-style: chr1-39427595-A-C. GRCh37 (hg19) VCF-style: chr1-39893267-A-C.
Other names: c.4853A>C, p.Gln1618Pro (NM_001397473.1); c.10271A>C, p.Gln3424Pro (NM_012090.5); short protein forms Q1618P, Q3424P, Q5486P.
Identifiers: ClinVar variation 3361285 (VCV003361285.1).